The following is an entry in ClinVar:

ClinVar aggregate classification (germline): Uncertain significance. Review status: criteria provided, multiple submitters, no conflicts (2 of 4 stars). 2 submissions from 2 submitters: Uncertain significance (2). Last evaluated 2025-11-25.

Allele frequency attached by ClinVar (database versions not stated): gnomAD exomes 0.00001; ExAC 0.00002.
gnomAD v4.1: 8 of 1,613,890 alleles (0.0005%); highest among the groups gnomAD compares: Non-Finnish European, 0.00059%; no homozygotes.

Submissions (2):

Women's Health and Genetics/Laboratory Corporation of America, LabCorp
Classification: Uncertain significance. Last evaluated: 2025-11-25. Review status: criteria provided, single submitter. Criteria: LabCorp Variant Classification Summary - May 2015. Collection method: clinical testing. Allele origin: germline.
Comment: Variant summary: NEFH c.2405C>T (p.Pro802Leu) results in a non-conservative amino acid change in the encoded protein sequence. Algorithms developed to predict the effect of missense changes on protein structure and function are either unavailable or do not agree on the potential impact of this missense change. The variant allele was found at a frequency of 1.2e-05 in 250942 control chromosomes. The available data on variant occurrences in the general population are insufficient to allow any conclusion about variant significance. c.2405C>T has been observed in an individual from an amyotrophic lateral sclerosis cohort (Marriott_2024). This report does not provide unequivocal conclusions about association of the variant with Charcot-Marie-Tooth disease axonal type 2CC. To our knowledge, no experimental evidence demonstrating an impact on protein function has been reported. The following publication has been ascertained in the context of this evaluation (PMID: 38775181). ClinVar contains an entry for this variant (Variation ID: 2112040). Based on the evidence outlined above, the variant was classified as uncertain significance.

Labcorp Genetics (formerly Invitae), Labcorp
Classification: Uncertain significance. Last evaluated: 2022-03-14. Review status: criteria provided, single submitter. Criteria: Invitae Variant Classification Sherloc (09022015). Collection method: clinical testing. Allele origin: germline.
Comment: This variant is present in population databases (rs758520448, gnomAD 0.003%). In summary, the available evidence is currently insufficient to determine the role of this variant in disease. Therefore, it has been classified as a Variant of Uncertain Significance. Advanced modeling of protein sequence and biophysical properties (such as structural, functional, and spatial information, amino acid conservation, physicochemical variation, residue mobility, and thermodynamic stability) performed at Invitae indicates that this missense variant is not expected to disrupt NEFH protein function. This variant has not been reported in the literature in individuals affected with NEFH-related conditions. This sequence change replaces proline, which is neutral and non-polar, with leucine, which is neutral and non-polar, at codon 802 of the NEFH protein (p.Pro802Leu).

Literature cited by the submitters: PubMed 38775181 (cited by Women's Health and Genetics/Laboratory Corporation of America, LabCorp).

NM_021076.4(NEFH):c.2405C>T (p.Pro802Leu)

Gene: NEFH (neurofilament heavy chain; plus strand). Cytogenetic location: 22q12.2.
Variant type: single nucleotide variant.
Coding change: c.2405C>T on transcript NM_021076.4 (MANE Select); coding-DNA position 2405, C replaced by T.
Protein change: p.Pro802Leu; replaces proline 802 with leucine.
Molecular consequence: missense variant.
Genome position (GRCh38, 1-based): chr22:29,490,045, C>T. VCF-style: chr22-29490045-C-T. GRCh37 (hg19) VCF-style: chr22-29886034-C-T.
Other names: short protein forms P802L.
Identifiers: ClinVar variation 2112040 (VCV002112040.5), dbSNP rs758520448, ClinGen allele CA10174423.